The following is an entry in ClinVar:

NM_005273.4(GNB2):c.261CAA[1] (p.Asn88del)

Gene: GNB2 (G protein subunit beta 2; plus strand). Cytogenetic location: 7q22.1.
Variant type: Microsatellite.
Coding change: c.261CAA[1] on transcript NM_005273.4 (MANE Select); one copy of the 3-base unit CAA starting at c.261; the reference has two copies in a row; one copy, 3 bases deleted.
Protein change: p.Asn88del; deletes asparagine 88.
Molecular consequence: inframe deletion.
Genome position (GRCh38, 1-based): chr7:100,677,412-100,677,414, CAA deleted; deleting any 3 consecutive bases within chr7:100,677,409-100,677,414 gives the same sequence; the position shown is the placement nearest the transcript's 3' end. VCF-style (leftmost placement, unchanged base first): chr7-100677408-CCAA-C. GRCh37 (hg19) VCF-style: chr7-100275031-CCAA-C.
Other names: short protein forms N88del.
Identifiers: ClinVar variation 2182855 (VCV002182855.4), dbSNP rs2486197500, ClinGen allele CA2578964265.

ClinVar aggregate classification (germline): Uncertain significance (1 of 4 stars; one submission).

Submission:

Labcorp Genetics (formerly Invitae), Labcorp
Classification: Uncertain significance. Last evaluated: 2022-09-01. Review status: criteria provided, single submitter. Criteria: Invitae Variant Classification Sherloc (09022015). Collection method: clinical testing. Allele origin: germline.
Comment: This variant is not present in population databases (gnomAD no frequency). This variant, c.264_266del, results in the deletion of 1 amino acid(s) of the GNB2 protein (p.Asn88del), but otherwise preserves the integrity of the reading frame. This variant has not been reported in the literature in individuals affected with GNB2-related conditions. Experimental studies and prediction algorithms are not available or were not evaluated, and the functional significance of this variant is currently unknown. In summary, the available evidence is currently insufficient to determine the role of this variant in disease. Therefore, it has been classified as a Variant of Uncertain Significance.